The following is an entry in ClinVar:

ClinVar aggregate classification (germline): Pathogenic (3 of 4 stars; one submission).

Conditions:
Creatine transporter deficiency (CCDS1). Also called: Mental retardation , X-linked with seizures, short stature and midface hypoplasia; Mental retardation , X-linked, with creatine transport deficiency; X-linked creatine transporter deficiency; X-linked creatine deficiency syndrome; SLC6A8-Related Creatine Transporter Deficiency; CREATINE TRANSPORTER DEFECT. Identifiers: Orphanet 52503, MedGen C1845862, MONDO:0010305, OMIM 300352.

Submission:

ClinGen Cerebral Creatine Deficiency Syndromes Variant Curation Expert Panel, ClinGen
Classification: Pathogenic for Creatine transporter deficiency. Last evaluated: 2024-03-28. Review status: reviewed by expert panel. Criteria: ClinGen_CCDS_ACMG_Specifications_SLC6A8_v1.1. Collection method: curation. Allele origin: germline. Inheritance: X-linked inheritance.
Comment: The NM_005629.4(SLC6A8):c.219del (p.Asn74ThrfsTer23) variant in SLC6A8 is a frameshift variant predicted to cause a premature stop codon in biologically-relevant-exon 2/13, leading to nonsense mediated decay in a gene in which loss-of-function is an established disease mechanism (PVS1). Their mother is reported to be asymptomatic (insufficient evidence to apply PP1). The variant is absent in gnomAD v2.1.1. (PM2_Supporting). In summary, this variant meets the criteria to be classified as pathogenic for X-linked creatine transporter deficiency. SLC6A8-specific ACMG/AMP criteria applied, as specified by the ClinGen CCDS VCEP (Specifications Version 1.1.0): PVS1, PP4_Moderate, PM2_Supporting. (Classification approved by the ClinGen Cerebral Creatine Deficiency Syndromes Variant Curation Expert Panel on March 28, 2024)

NM_005629.4(SLC6A8):c.219del (p.Asn74fs)

Gene: SLC6A8 (solute carrier family 6 member 8; plus strand). Cytogenetic location: Xq28.
Variant type: Deletion.
Coding change: c.219del on transcript NM_005629.4 (MANE Select); coding-DNA position 219, one base deleted (C; older notation c.219delC).
Protein change: p.Asn74fs; shifts the reading frame from asparagine 74.
Molecular consequence: frameshift variant.
Genome position (GRCh38, 1-based): chrX:153,688,793, C deleted. VCF-style (leftmost placement, unchanged base first): chrX-153688792-GC-G. GRCh37 (hg19) VCF-style: chrX-152954247-GC-G.
Other names: NM_001142805.2:c.219del; c.219del, p.Asn74fs (NM_001142805.2); short protein forms N74fs.
Identifiers: ClinVar variation 3066431 (VCV003066431.1), dbSNP rs2522145796, ClinGen allele CA2582131482.